The following is an entry in ClinVar:

ClinVar aggregate classification (germline): Uncertain significance (1 of 4 stars; one submission).

Submission:

Women's Health and Genetics/Laboratory Corporation of America, LabCorp
Classification: Uncertain significance. Last evaluated: 2023-10-18. Review status: criteria provided, single submitter. Criteria: LabCorp Variant Classification Summary - May 2015. Collection method: clinical testing. Allele origin: germline.
Comment: Variant summary: COL4A2 c.1064C>T (p.Pro355Leu) results in a non-conservative amino acid change in the encoded protein sequence. Four of five in-silico tools predict a damaging effect of the variant on protein function. The variant was absent in 249572 control chromosomes. The available data on variant occurrences in the general population are insufficient to allow any conclusion about variant significance. To our knowledge, no occurrence of c.1064C>T in individuals affected with Porencephaly 2 and no experimental evidence demonstrating its impact on protein function have been reported. No submitters have cited clinical-significance assessments for this variant to ClinVar after 2014. Based on the evidence outlined above, the variant was classified as uncertain significance.

NM_001846.4(COL4A2):c.1064C>T (p.Pro355Leu)

Gene: COL4A2 (collagen type IV alpha 2 chain; plus strand). Cytogenetic location: 13q34.
Variant type: single nucleotide variant.
Coding change: c.1064C>T on transcript NM_001846.4 (MANE Select); coding-DNA position 1064, C replaced by T.
Protein change: p.Pro355Leu; replaces proline 355 with leucine.
Molecular consequence: missense variant.
Genome position (GRCh38, 1-based): chr13:110,446,850, C>T. VCF-style: chr13-110446850-C-T. GRCh37 (hg19) VCF-style: chr13-111099197-C-T.
Other names: short protein forms P355L.
Identifiers: ClinVar variation 2637800 (VCV002637800.1), dbSNP rs2502088723, ClinGen allele CA388733456.